The following is an entry in ClinVar:

ClinVar aggregate classification (germline): Uncertain significance. Review status: criteria provided, multiple submitters, no conflicts (2 of 4 stars). 3 submissions from 3 submitters: Uncertain significance (3). Last evaluated 2025-07-30.

Conditions:
Hereditary cancer-predisposing syndrome. Also called: Neoplastic Syndromes, Hereditary; Hereditary Cancer Syndrome; Tumor predisposition; Hereditary neoplastic syndrome. Identifiers: Orphanet 140162, MedGen C0027672, MeSH D009386, MONDO:0015356.
Familial cancer of breast. Also called: Hereditary breast cancer; BREAST CANCER, FAMILIAL; hereditary breast carcinoma. Identifiers: Orphanet 227535, MedGen C0346153, MONDO:0016419, OMIM 114480. Disease mechanism: loss of function.

Allele frequency attached by ClinVar (database versions not stated): gnomAD exomes below 0.00001.
gnomAD v4.1: 3 of 1,614,046 alleles (0.00019%); highest among the groups gnomAD compares: Non-Finnish European, 0.00025%; no homozygotes.

Submissions (3):

Labcorp Genetics (formerly Invitae), Labcorp
Classification: Uncertain significance for Familial cancer of breast. Last evaluated: 2025-07-30. Review status: criteria provided, single submitter. Criteria: Invitae Variant Classification Sherloc (09022015). Collection method: clinical testing. Allele origin: germline.
Comment: This sequence change replaces threonine, which is neutral and polar, with proline, which is neutral and non-polar, at codon 1012 of the PALB2 protein (p.Thr1012Pro). This variant is not present in population databases (gnomAD no frequency). This variant has not been reported in the literature in individuals affected with PALB2-related conditions. ClinVar contains an entry for this variant (Variation ID: 928296). Invitae Evidence Modeling of protein sequence and biophysical properties (such as structural, functional, and spatial information, amino acid conservation, physicochemical variation, residue mobility, and thermodynamic stability) indicates that this missense variant is expected to disrupt PALB2 protein function with a positive predictive value of 80%. In summary, the available evidence is currently insufficient to determine the role of this variant in disease. Therefore, it has been classified as a Variant of Uncertain Significance.

Ambry Genetics
Classification: Uncertain significance for Hereditary cancer-predisposing syndrome. Last evaluated: 2020-11-18. Review status: criteria provided, single submitter. Criteria: Ambry Variant Classification Scheme 2023. Collection method: clinical testing. Allele origin: germline.
Comment: The p.T1012P variant (also known as c.3034A>C), located in coding exon 10 of the PALB2 gene, results from an A to C substitution at nucleotide position 3034. The threonine at codon 1012 is replaced by proline, an amino acid with highly similar properties. This amino acid position is highly conserved in available vertebrate species. In addition, the in silico prediction for this alteration is inconclusive. Since supporting evidence is limited at this time, the clinical significance of this alteration remains unclear.

Color Diagnostics, LLC DBA Color Health
Classification: Uncertain significance for Hereditary cancer-predisposing syndrome. Last evaluated: 2020-03-03. Review status: criteria provided, single submitter. Criteria: ACMG Guidelines, 2015. Collection method: clinical testing. Allele origin: germline.
Comment: This missense variant replaces threonine with proline at codon 1012 of the PALB2 protein. Computational prediction suggests that this variant may not impact protein structure and function (internally defined REVEL score threshold <= 0.5, PMID: 27666373). Splice site prediction tools suggest that this variant may not impact RNA splicing. To our knowledge, functional studies have not been reported for this variant. This variant has not been reported in individuals affected with hereditary cancer in the literature. This variant has not been identified in the general population by the Genome Aggregation Database (gnomAD). The available evidence is insufficient to determine the role of this variant in disease conclusively. Therefore, this variant is classified as a Variant of Uncertain Significance.

NM_024675.4(PALB2):c.3034A>C (p.Thr1012Pro)

Gene: PALB2 (partner and localizer of BRCA2; minus strand). Cytogenetic location: 16p12.2.
Variant type: single nucleotide variant.
Coding change: c.3034A>C on transcript NM_024675.4 (MANE Select); coding-DNA position 3034, A replaced by C.
Protein change: p.Thr1012Pro; replaces threonine 1012 with proline.
Molecular consequence: missense variant.
Genome position (GRCh38, 1-based): chr16:23,621,441, T>G on the plus strand (A>C on the coding strand, the complement: PALB2 is on the minus strand). VCF-style: chr16-23621441-T-G. GRCh37 (hg19) VCF-style: chr16-23632762-T-G.
Other names: short protein forms T1012P.
Identifiers: ClinVar variation 928296 (VCV000928296.15), dbSNP rs1966771666, ClinGen allele CA395143070.
Genomic context (GRCh38, chr16:23,621,441, plus strand): 5'-TAATAGTAGTACCAAGCAGAGCTTCTTGCATCCCTTGGACCTCAGCAAAAGTTAGTATAG[T>G]CTCCTCAGGGGGCATCAAAAATTGGTTTTCTTTGCCTCTGTAATTAAAACAGTATGAAAA-3'
Protein context (NP_078951.2, residues 1002-1022): ENQFLMPPEE[Thr1012Pro]ILTFAEVQGM